The following is an entry in ClinVar:

NM_018699.4(PRDM5):c.1339T>A (p.Leu447Ile)

Gene: PRDM5 (PR/SET domain 5; minus strand). Cytogenetic location: 4q27.
Variant type: single nucleotide variant.
Coding change: c.1339T>A on transcript NM_018699.4 (MANE Select); coding-DNA position 1339, T replaced by A.
Protein change: p.Leu447Ile; replaces leucine 447 with isoleucine.
Molecular consequence: missense variant.
Genome position (GRCh38, 1-based): chr4:120,781,247, A>T on the plus strand (T>A on the coding strand, the complement: PRDM5 is on the minus strand). VCF-style: chr4-120781247-A-T. GRCh37 (hg19) VCF-style: chr4-121702402-A-T.
Other names: c.1246T>A, p.Leu416Ile (NM_001300823.2, NM_001300824.2, NM_001379106.1); c.1372T>A, p.Leu458Ile (NM_001379104.1); c.1339T>A (NM_018699.3); short protein forms L416I, L447I, L458I.
Identifiers: ClinVar variation 1317389 (VCV001317389.10), dbSNP rs193201534, ClinGen allele CA3061068.

ClinVar aggregate classification (germline): Uncertain significance. Review status: criteria provided, multiple submitters, no conflicts (2 of 4 stars). 5 submissions from 5 submitters: Uncertain significance (5). Last evaluated 2026-04-23.

Conditions:
PRDM5-related disorder. Also called: PRDM5-related condition.
Cardiovascular phenotype. Identifiers: MedGen CN230736.

Allele frequency attached by ClinVar (database versions not stated): ExAC 0.00001; gnomAD exomes 0.00001 and 0.00002; gnomAD 0.00015 and 0.00016; 1000 Genomes Project 30x 0.00016; 1000 Genomes Project 0.00020; TOPMed 0.00039.
gnomAD v4.1: 44 of 1,613,138 alleles (0.0027%); highest among the groups gnomAD compares: Admixed American, 0.053%; no homozygotes.

Submissions (5):

PreventionGenetics, part of Exact Sciences
Classification: Uncertain significance for PRDM5-related condition. Last evaluated: 2026-04-23. Review status: criteria provided, single submitter. Criteria: ACMG Guidelines, 2015. Collection method: clinical testing. Allele origin: germline.
Comment: The PRDM5 c.1339T>A variant is predicted to result in the amino acid substitution p.Leu447Ile. To our knowledge, this variant has not been reported in the literature. This variant is present in 0.0028% of alleles in individuals of Latino descent in gnomAD. At this time, the clinical significance of this variant is uncertain due to the absence of conclusive functional and genetic evidence.

Women's Health and Genetics/Laboratory Corporation of America, LabCorp
Classification: Uncertain significance. Last evaluated: 2025-12-30. Review status: criteria provided, single submitter. Criteria: LabCorp Variant Classification Summary - May 2015. Collection method: clinical testing. Allele origin: germline.
Comment: Variant summary: PRDM5 c.1339T>A (p.Leu447Ile) results in a conservative amino acid change in the encoded protein sequence. Algorithms developed to predict the effect of missense changes on protein structure and function are either unavailable or do not agree on the potential impact of this missense change. The variant allele was found at a frequency of 8e-06 in 250514 control chromosomes. The available data on variant occurrences in the general population are insufficient to allow any conclusion about variant significance. To our knowledge, no occurrence of c.1339T>A in individuals affected with PRDM5-related conditions and no experimental evidence demonstrating its impact on protein function have been reported. ClinVar contains an entry for this variant (Variation ID: 1317389). Based on the evidence outlined above, the variant was classified as uncertain significance.

Ambry Genetics
Classification: Uncertain significance for Cardiovascular phenotype. Last evaluated: 2025-04-05. Review status: criteria provided, single submitter. Criteria: Ambry Variant Classification Scheme 2023. Collection method: clinical testing. Allele origin: germline.
Comment: The p.L447I variant (also known as c.1339T>A), located in coding exon 12 of the PRDM5 gene, results from a T to A substitution at nucleotide position 1339. The leucine at codon 447 is replaced by isoleucine, an amino acid with highly similar properties. This amino acid position is highly conserved in available vertebrate species. In addition, the in silico prediction for this alteration is inconclusive. Since supporting evidence is limited at this time, the clinical significance of this alteration remains unclear.

GeneDx
Classification: Uncertain significance. Last evaluated: 2025-03-04. Review status: criteria provided, single submitter. Criteria: GeneDx Variant Classification Process June 2021. Collection method: clinical testing. Allele origin: germline. Affected: yes.
Comment: Has not been previously published as pathogenic or benign to our knowledge; Not observed at significant frequency in large population cohorts (gnomAD); In silico analysis indicates that this missense variant does not alter protein structure/function

Labcorp Genetics (formerly Invitae), Labcorp
Classification: Uncertain significance. Last evaluated: 2022-08-07. Review status: criteria provided, single submitter. Criteria: Invitae Variant Classification Sherloc (09022015). Collection method: clinical testing. Allele origin: germline.
Comment: This sequence change replaces leucine, which is neutral and non-polar, with isoleucine, which is neutral and non-polar, at codon 447 of the PRDM5 protein (p.Leu447Ile). This variant is present in population databases (rs193201534, gnomAD 0.003%). This variant has not been reported in the literature in individuals affected with PRDM5-related conditions. ClinVar contains an entry for this variant (Variation ID: 1317389). Algorithms developed to predict the effect of missense changes on protein structure and function are either unavailable or do not agree on the potential impact of this missense change (SIFT: "Deleterious"; PolyPhen-2: "Probably Damaging"; Align-GVGD: "Class C0"). In summary, the available evidence is currently insufficient to determine the role of this variant in disease. Therefore, it has been classified as a Variant of Uncertain Significance.